The following is an entry in ClinVar:

NM_004360.5(CDH1):c.1712-2A>T

Gene: CDH1 (cadherin 1; plus strand). Cytogenetic location: 16q22.1.
Variant type: single nucleotide variant.
Coding change: c.1712-2A>T on transcript NM_004360.5 (MANE Select); the canonical splice acceptor site of the intron before coding-DNA position 1712, A replaced by T.
Molecular consequence: splice acceptor variant.
Genome position (GRCh38, 1-based): chr16:68,821,999, A>T. VCF-style: chr16-68821999-A-T. GRCh37 (hg19) VCF-style: chr16-68855902-A-T.
Other names: c.164-2A>T (NM_001317185.2); c.-254-2A>T (NM_001317186.2); c.1529-2A>T (NM_001317184.2).
Identifiers: ClinVar variation 819883 (VCV000819883.26), dbSNP rs552325719, ClinGen allele CA396466128.

ClinVar aggregate classification (germline): Uncertain significance. Review status: criteria provided, multiple submitters, no conflicts (2 of 4 stars). 3 submissions from 3 submitters: Uncertain significance (2). 1 of the submissions does not count toward it. Last evaluated 2022-12-19.

Conditions:
Hereditary diffuse gastric adenocarcinoma (HDGC). Also called: DIFFUSE GASTRIC AND LOBULAR BREAST CANCER SYNDROME. Identifiers: Orphanet 26106, MedGen C1708349, MONDO:0007648, OMIM 137215.
Gastric cancer. Also called: Stomach cancer; Malignant tumor of stomach. Identifiers: MedGen C0024623, MeSH D013274, MONDO:0001056, OMIM 613659, HP:0012126.
Hereditary cancer-predisposing syndrome. Also called: Neoplastic Syndromes, Hereditary; Hereditary Cancer Syndrome; Hereditary neoplastic syndrome; Tumor predisposition. Identifiers: Orphanet 140162, MedGen C0027672, MeSH D009386, MONDO:0015356.

Submissions (3):

Ambry Genetics
Classification: Uncertain significance for Hereditary cancer-predisposing syndrome. Last evaluated: 2022-12-19. Review status: criteria provided, single submitter. Criteria: Ambry Variant Classification Scheme 2023. Collection method: clinical testing. Allele origin: germline.
Comment: The c.1712-2A>T intronic variant results from an A to T substitution two nucleotides upstream from coding exon 12 in the CDH1 gene. This variant has been reported with a carrier frequency of 0.00014 in 7051 unselected breast cancer patients and 0.000 in 11241 female controls of Japanese ancestry (Momozawa Y et al. Nat Commun. 2018 10;9:4083). This nucleotide position is highly conserved in available vertebrate species. In silico splice site analysis predicts that this alteration will weaken the native splice acceptor site and will result in the creation or strengthening of a novel splice acceptor site, however, direct evidence is unavailable. RNA studies performed on another variant at this position, c.1712-2A>C demonstrated the usage of this cryptic acceptor site (Ambry internal data). This splicing event is predicted to cause an in-frame loss of three amino acids at the beginning of exon 12; the clinical relevance of the loss of these three amino acids is unknown at this time. Since supporting evidence is limited at this time, the clinical significance of this alteration remains unclear.

Labcorp Genetics (formerly Invitae), Labcorp
Classification: Uncertain significance for Hereditary diffuse gastric adenocarcinoma. Last evaluated: 2022-03-27. Review status: criteria provided, single submitter. Criteria: Invitae Variant Classification Sherloc (09022015). Collection method: clinical testing. Allele origin: germline.
Comment: This variant is not present in population databases (gnomAD no frequency). In summary, the available evidence is currently insufficient to determine the role of this variant in disease. Therefore, it has been classified as a Variant of Uncertain Significance. While the effect of this variant (c.1712-2A>T) has not been assessed experimentally, algorithms developed to predict the effect of sequence changes on RNA splicing suggest that this variant disrupts the consensus splice site. However, these algorithms also detect a cryptic acceptor splice site 9 nucleotides downstream, the use of which would lead to the in-frame deletion of 3 amino acids. These data suggest that a downstream, cryptic acceptor site can potentially rescue disruption of the canonical acceptor site, thereby preserving the integrity of the reading frame. ClinVar contains an entry for this variant (Variation ID: 819883). Disruption of this splice site has been observed in individual(s) with breast cancer (PMID: 30287823). This sequence change affects an acceptor splice site in intron 11 of the CDH1 gene. It is expected to disrupt RNA splicing.

Laboratory for Genotyping Development, RIKEN
Classification: Pathogenic for Gastric cancer. Last evaluated: 2021-07-01. Review status: no assertion criteria provided. Collection method: research. Allele origin: germline. Not counted in ClinVar's aggregate classification.

Literature cited by the submitters: PubMed 30287823 (cited by Ambry Genetics and Labcorp Genetics (formerly Invitae), Labcorp); PubMed 36988593 (cited by Laboratory for Genotyping Development, RIKEN).